The following is an entry in ClinVar:

ClinVar aggregate classification (germline): Likely benign. Review status: reviewed by expert panel (3 of 4 stars). 2 submissions from 2 submitters: Likely benign (1). 1 of the submissions does not count toward it. Last evaluated 2024-08-28.

Conditions:
Hereditary thrombocytopenia and hematologic cancer predisposition syndrome. Identifiers: Orphanet 71290, MedGen CN281654, MONDO:0011071.
Hereditary thrombocytopenia and hematological cancer predisposition syndrome associated with RUNX1. Also called: Familial Platelet Disorder with Propensity to Acute Myelogenous Leukemia; Familial thrombocytopenia with propensity to acute myelogenous leukemia; PLATELET DISORDER, ASPIRIN-LIKE; RUNX1 Familial Platelet Disorder with Associated Myeloid Malignancies. Identifiers: Orphanet 71290, MedGen C1832388, MeSH C563324, MONDO:0100083, OMIM 601399.

Submissions (2):

ClinGen Myeloid Malignancy Variant Curation Expert Panel
Classification: Likely benign for Hereditary thrombocytopenia and hematologic cancer predisposition syndrome. Last evaluated: 2024-08-28. Review status: reviewed by expert panel. Criteria: ClinGen MyeloMalig ACMG Specifications v2. Collection method: curation. Allele origin: germline. Inheritance: Autosomal dominant inheritance.
Comment: NM_001754.5(RUNX1):c.59-4T>C is an intronic variant which is not predicted by SpliceAI to impact splicing (BP4). Additionally, an evolutionary conservation algorithm predicts the site as not being highly conserved (PhyloP score = 0.867551 in GRCh38) (BP7). Although the variant is absent from gnomAD v2, v3, and v4 (PM2_Supporting), it has not been reported in cases or the literature. In summary, this variant meets the criteria to be classified as likely benign for hereditary thrombocytopenia and hematologic cancer predisposition syndrome. ACMG/AMP criteria applied, as specified by the ClinGen Myeloid Malignancy VCEP: BP4, BP7, and PM2_Supporting.

Labcorp Genetics (formerly Invitae), Labcorp
Classification: Likely benign for Hereditary thrombocytopenia and hematological cancer predisposition syndrome associated with RUNX1. Last evaluated: 2021-11-12. Review status: criteria provided, single submitter. Criteria: Invitae Variant Classification Sherloc (09022015). Collection method: clinical testing. Allele origin: germline. Not counted in ClinVar's aggregate classification.

NM_001754.5(RUNX1):c.59-4T>C

Gene: RUNX1 (RUNX family transcription factor 1; minus strand). Cytogenetic location: 21q22.12.
Variant type: single nucleotide variant.
Coding change: c.59-4T>C on transcript NM_001754.5 (MANE Select); 4 bases into the intron before coding-DNA position 59, T replaced by C.
Molecular consequence: intron variant.
Genome position (GRCh38, 1-based): chr21:34,892,967, A>G on the plus strand (T>C on the coding strand, the complement: RUNX1 is on the minus strand). VCF-style: chr21-34892967-A-G. GRCh37 (hg19) VCF-style: chr21-36265264-A-G.
Identifiers: ClinVar variation 1648386 (VCV001648386.9), dbSNP rs2058096530, ClinGen allele CA2387300768.